The following is an entry in ClinVar:

ClinVar aggregate classification (germline): Uncertain significance (1 of 4 stars; one submission).

gnomAD v4.1: 1 of 1,613,836 alleles (0.000062%); highest among the groups gnomAD compares: Non-Finnish European, 0.000085%; no homozygotes.

Submission:

Labcorp Genetics (formerly Invitae), Labcorp
Classification: Uncertain significance. Last evaluated: 2021-01-18. Review status: criteria provided, single submitter. Criteria: Invitae Variant Classification Sherloc (09022015). Collection method: clinical testing. Allele origin: germline.
Comment: This sequence change replaces glutamine with histidine at codon 309 of the KIAA1549 protein (p.Gln309His). The glutamine residue is weakly conserved and there is a small physicochemical difference between glutamine and histidine. This variant is not present in population databases (ExAC no frequency). This variant has not been reported in the literature in individuals with KIAA1549-related conditions. Algorithms developed to predict the effect of missense changes on protein structure and function (SIFT, PolyPhen-2, Align-GVGD) all suggest that this variant is likely to be tolerated, but these predictions have not been confirmed by published functional studies and their clinical significance is uncertain. In summary, the available evidence is currently insufficient to determine the role of this variant in disease. Therefore, it has been classified as a Variant of Uncertain Significance.

NM_001164665.2(KIAA1549):c.927G>T (p.Gln309His)

Gene: KIAA1549 (KIAA1549; minus strand). Cytogenetic location: 7q34.
Variant type: single nucleotide variant.
Coding change: c.927G>T on transcript NM_001164665.2 (MANE Select); coding-DNA position 927, G replaced by T.
Protein change: p.Gln309His; replaces glutamine 309 with histidine.
Molecular consequence: missense variant.
Genome position (GRCh38, 1-based): chr7:138,918,699, C>A on the plus strand (G>T on the coding strand, the complement: KIAA1549 is on the minus strand). VCF-style: chr7-138918699-C-A. GRCh37 (hg19) VCF-style: chr7-138603445-C-A.
Other names: c.927G>T, p.Gln309His (NM_020910.3); short protein forms Q309H.
Identifiers: ClinVar variation 1517333 (VCV001517333.8), dbSNP rs2130482405, ClinGen allele CA369401271.